The following is an entry in ClinVar:

ClinVar aggregate classification (germline): Benign/Likely benign. Review status: criteria provided, multiple submitters, no conflicts (2 of 4 stars). 11 submissions from 11 submitters: Benign (8); Likely benign (3). Last evaluated 2026-07-01.

Conditions:
Ehlers-Danlos syndrome, classic type, 1 (EDSCL1). Also called: EHLERS-DANLOS SYNDROME, GRAVIS TYPE; EHLERS-DANLOS SYNDROME, SEVERE CLASSIC TYPE; Ehlers-Danlos syndrome, type 1; Ehlers-Danlos Syndrome, Classic Type, COL5A1-Related; EDS I. Identifiers: MedGen C0268335, MONDO:0019567, OMIM 130000.
Ehlers-Danlos syndrome, classic type, 2 (EDSCL2). Also called: Ehlers-Danlos syndrome type 2 (formerly); Ehlers-Danlos syndrome, type 2; Ehlers-Danlos Syndrome, Classic Type, COL5A2-Related. Identifiers: Orphanet 287, Orphanet 90318, MedGen C0268336, MONDO:0019568, OMIM 130010.
Familial thoracic aortic aneurysm and aortic dissection (TAAD). Also called: Thoracic aortic aneurysms and dissections. Identifiers: Orphanet 91387, MedGen C4707243, MONDO:0019625.

Allele frequency attached by ClinVar (database versions not stated): gnomAD exomes 0.00038 and 0.00125; ExAC 0.00161; gnomAD 0.00458 and 0.00479; ESP Exome Variant Server 0.00523; TOPMed 0.00527; 1000 Genomes Project 0.00819; 1000 Genomes Project 30x 0.00874.
gnomAD v4.1: 1,272 of 1,613,548 alleles (0.079%); highest among the groups gnomAD compares: African/African-American, 1.5%; 7 homozygotes.

Submissions (11):

CeGaT Center for Human Genetics Tuebingen
Classification: Likely benign. Last evaluated: 2026-07-01. Review status: criteria provided, single submitter. Criteria: CeGaT Center For Human Genetics Tuebingen Variant Classification Criteria Version 2. Collection method: clinical testing. Allele origin: germline. Affected: yes. Observed: 1 variant allele.
Comment: COL5A2: BP4, BS1

Molecular Diagnostic Laboratory for Inherited Cardiovascular Disease, Montreal Heart Institute
Classification: Likely benign. Last evaluated: 2026-03-27. Review status: criteria provided, single submitter. Criteria: ACMG Guidelines, 2015. Collection method: clinical testing. Allele origin: germline. Affected: no.
Comment: BS1;BP4

Labcorp Genetics (formerly Invitae), Labcorp
Classification: Benign for Ehlers-Danlos syndrome, classic type, 1. Last evaluated: 2026-02-02. Review status: criteria provided, single submitter. Criteria: Invitae Variant Classification Sherloc (09022015). Collection method: clinical testing. Allele origin: germline.

Blueprint Genetics
Classification: Likely benign. Last evaluated: 2024-11-13. Review status: criteria provided, single submitter. Criteria: ACMG Guidelines, 2015. Collection method: clinical testing. Allele origin: germline.

Mayo Clinic Laboratories, Mayo Clinic
Classification: Benign. Last evaluated: 2024-01-19. Review status: criteria provided, single submitter. Criteria: ACMG Guidelines, 2015. Collection method: clinical testing. Allele origin: germline. Observed: 6 variant alleles.
Comment: BS1, BS2, BP4, BP7

Women's Health and Genetics/Laboratory Corporation of America, LabCorp
Classification: Benign. Last evaluated: 2023-07-21. Review status: criteria provided, single submitter. Criteria: LabCorp Variant Classification Summary - May 2015. Collection method: clinical testing. Allele origin: germline.

ARUP Laboratories, Molecular Genetics and Genomics, ARUP Laboratories
Classification: Benign for Ehlers-Danlos syndrome, classic type, 2. Last evaluated: 2022-04-06. Review status: criteria provided, single submitter. Criteria: ARUP Molecular Germline Variant Investigation Process 2021. Collection method: clinical testing. Allele origin: germline.

Illumina Laboratory Services, Illumina
Classification: Benign for Ehlers-Danlos syndrome, classic type, 2. Last evaluated: 2018-01-13. Review status: criteria provided, single submitter. Criteria: ICSL Variant Classification Criteria 13 December 2019. Collection method: clinical testing. Allele origin: germline.
Comment: This variant was observed in the ICSL laboratory as part of a predisposition screen in an ostensibly healthy population. It had not been previously curated by ICSL or reported in the Human Gene Mutation Database (HGMD: prior to June 1st, 2018), and was therefore a candidate for classification through an automated scoring system. Utilizing variant allele frequency, disease prevalence and penetrance estimates, and inheritance mode, an automated score was calculated to assess if this variant is too frequent to cause the disease. Based on the score and internal cut-off values, a variant classified as benign is not then subjected to further curation. The score for this variant resulted in a classification of benign for this disease.

Ambry Genetics
Classification: Benign for Familial thoracic aortic aneurysm and aortic dissection. Last evaluated: 2016-04-21. Review status: criteria provided, single submitter. Criteria: Ambry Variant Classification Scheme 2023. Collection method: clinical testing. Allele origin: germline.

GeneDx
Classification: Benign. Last evaluated: 2014-12-30. Review status: criteria provided, single submitter. Criteria: GeneDx Variant Classification (06012015). Collection method: clinical testing. Allele origin: germline. Affected: yes.
Comment: This variant is considered likely benign or benign based on one or more of the following criteria: it is a conservative change, it occurs at a poorly conserved position in the protein, it is predicted to be benign by multiple in silico algorithms, and/or has population frequency not consistent with disease.

PreventionGenetics, part of Exact Sciences
Classification: Benign. Review status: criteria provided, single submitter. Criteria: ACMG Guidelines, 2015. Collection method: clinical testing. Allele origin: germline.

NM_000393.5(COL5A2):c.2716-4C>T

Gene: COL5A2 (collagen type V alpha 2 chain; minus strand). Cytogenetic location: 2q32.2.
Variant type: single nucleotide variant.
Coding change: c.2716-4C>T on transcript NM_000393.5 (MANE Select); 4 bases into the intron before coding-DNA position 2716, C replaced by T.
Molecular consequence: intron variant.
Genome position (GRCh38, 1-based): chr2:189,052,229, G>A on the plus strand (C>T on the coding strand, the complement: COL5A2 is on the minus strand). VCF-style: chr2-189052229-G-A. GRCh37 (hg19) VCF-style: chr2-189916955-G-A.
Other names: p.?; c.2716-4C>T (NM_000393.4).
Identifiers: ClinVar variation 213079 (VCV000213079.35), dbSNP rs111644889, ClinGen allele CA320668.